The following is an entry in ClinVar:

NM_001130987.2(DYSF):c.1784C>T (p.Ala595Val)

Gene: DYSF (dysferlin; plus strand). Cytogenetic location: 2p13.2.
Variant type: single nucleotide variant.
Coding change: c.1784C>T on transcript NM_001130987.2 (MANE Select); coding-DNA position 1784, C replaced by T.
Protein change: p.Ala595Val; replaces alanine 595 with valine.
Molecular consequence: missense variant.
Genome position (GRCh38, 1-based): chr2:71,551,698, C>T. VCF-style: chr2-71551698-C-T. GRCh37 (hg19) VCF-style: chr2-71778828-C-T.
Other names: c.1733C>T, p.Ala578Val (NM_001130455.2, NM_001130983.2); c.1688C>T, p.Ala563Val (NM_001130976.2, NM_001130977.2); c.1730C>T, p.Ala577Val (NM_001130978.2, NM_003494.4); c.1823C>T, p.Ala608Val (NM_001130979.2); c.1781C>T, p.Ala594Val (NM_001130980.2, NM_001130981.2); c.1826C>T, p.Ala609Val (NM_001130982.2); c.1691C>T, p.Ala564Val (NM_001130984.2, NM_001130986.2); c.1784C>T, p.Ala595Val (NM_001130985.2); short protein forms A577V, A595V, A564V, A563V, A578V, A609V, A594V, A608V.
Identifiers: ClinVar variation 336955 (VCV000336955.18), dbSNP rs201515915, ClinGen allele CA1705924.

ClinVar aggregate classification (germline): Conflicting classifications of pathogenicity. Review status: criteria provided, conflicting classifications (1 of 4 stars). 4 submissions from 4 submitters: Uncertain significance (3); Likely benign (1). Last evaluated 2025-12-13.

Conditions:
Autosomal recessive limb-girdle muscular dystrophy. Identifiers: Orphanet 102015, MedGen C2931907, MONDO:0015152.
Neuromuscular disease caused by qualitative or quantitative defects of dysferlin. Also called: Dysferlinopathy; Qualitative or quantitative defects of dysferlin. Identifiers: Orphanet 207073, MedGen C2931687, MONDO:0016145.

Allele frequency attached by ClinVar (database versions not stated): ESP Exome Variant Server 0.00008; gnomAD exomes 0.00008; ExAC 0.00016; gnomAD 0.00020 and 0.00023; TOPMed 0.00020; 1000 Genomes Project 0.00060; 1000 Genomes Project 30x 0.00078.
gnomAD v4.1: 285 of 1,609,122 alleles (0.018%); highest among the groups gnomAD compares: African/African-American, 0.039%; no homozygotes.

Submissions (4):

Labcorp Genetics (formerly Invitae), Labcorp
Classification: Likely benign for Neuromuscular disease caused by qualitative or quantitative defects of dysferlin. Last evaluated: 2025-12-13. Review status: criteria provided, single submitter. Criteria: Invitae Variant Classification Sherloc (09022015). Collection method: clinical testing. Allele origin: germline.

Myriad Genetics, Inc.
Classification: Uncertain significance for Autosomal recessive limb-girdle muscular dystrophy. Last evaluated: 2025-07-28. Review status: criteria provided, single submitter. Criteria: Myriad Autosomal Dominant, Autosomal Recessive and X-Linked Classification Criteria (2023). Collection method: clinical testing. Allele origin: unknown.
Comment: NM_003494.3(DYSF):c.1730C>T(A577V) is a missense variant classified as a variant of uncertain significance in the context of dysferlinopathy. A577V has been observed in a case with relevant disease (PMID: 39678382). Relevant functional assessments of this variant are not available in the literature. A577V has been observed in referenced population frequency databases. In summary, there is insufficient evidence to classify NM_003494.3(DYSF):c.1730C>T(A577V) as pathogenic or benign. Please note: this variant was assessed in the context of healthy population screening.

Revvity Omics, Revvity
Classification: Uncertain significance. Last evaluated: 2025-05-21. Review status: criteria provided, single submitter. Criteria: ACMG Guidelines, 2015. Collection method: clinical testing. Allele origin: germline.

Illumina Laboratory Services, Illumina
Classification: Uncertain significance for Qualitative or quantitative defects of dysferlin. Last evaluated: 2018-01-12. Review status: criteria provided, single submitter. Criteria: ICSL Variant Classification Criteria 13 December 2019. Collection method: clinical testing. Allele origin: germline.

Literature cited by the submitters: PubMed 39678382 (cited by Myriad Genetics, Inc.).